The following is an entry in ClinVar:

ClinVar aggregate classification (germline): Benign. Review status: criteria provided, multiple submitters, no conflicts (2 of 4 stars). 2 submissions from 2 submitters: Benign (2). Last evaluated 2018-06-19.

Allele frequency attached by ClinVar (database versions not stated): gnomAD exomes 0.00391; ExAC 0.00497; gnomAD 0.01504 and 0.01615; TOPMed 0.01691; ESP Exome Variant Server 0.01753; 1000 Genomes Project 0.01797; 1000 Genomes Project 30x 0.01921.
gnomAD v4.1: 4,336 of 1,613,364 alleles (0.27%); highest among the groups gnomAD compares: African/African-American, 5.1%; 115 homozygotes.

Submissions (2):

GeneDx
Classification: Benign. Last evaluated: 2018-06-19. Review status: criteria provided, single submitter. Criteria: GeneDx Variant Classification (06012015). Collection method: clinical testing. Allele origin: germline. Affected: yes.
Comment: This variant is considered likely benign or benign based on one or more of the following criteria: it is a conservative change, it occurs at a poorly conserved position in the protein, it is predicted to be benign by multiple in silico algorithms, and/or has population frequency not consistent with disease.

Breakthrough Genomics
Classification: Benign. Review status: criteria provided, single submitter. Criteria: ACMG Guidelines, 2015. Collection method: not provided. Allele origin: germline. Inheritance: Autosomal dominant inheritance. Affected: yes.

NM_001376.5(DYNC1H1):c.2868+37G>C

Gene: DYNC1H1 (dynein cytoplasmic 1 heavy chain 1; plus strand). Cytogenetic location: 14q32.31.
Variant type: single nucleotide variant.
Coding change: c.2868+37G>C on transcript NM_001376.5 (MANE Select); 37 bases into the intron after coding-DNA position 2868, G replaced by C.
Molecular consequence: intron variant.
Genome position (GRCh38, 1-based): chr14:101,988,889, G>C. VCF-style: chr14-101988889-G-C. GRCh37 (hg19) VCF-style: chr14-102455226-G-C.
Identifiers: ClinVar variation 674242 (VCV000674242.2), dbSNP rs17540818, ClinGen allele CA7351894.